The following is an entry in ClinVar:

ClinVar aggregate classification (germline): Benign/Likely benign. Review status: criteria provided, multiple submitters, no conflicts (2 of 4 stars). 2 submissions from 2 submitters: Benign (1); Likely benign (1). Last evaluated 2024-12-30.

Conditions:
Lynch syndrome 5 (LYNCH5). Also called: Hereditary non-polyposis colorectal cancer, type 5; Colorectal cancer, hereditary nonpolyposis, type 5. Identifiers: Orphanet 144, MedGen C1833477, MONDO:0013710, OMIM 614350. Disease mechanism: loss of function.
Hereditary nonpolyposis colorectal neoplasms. Identifiers: MedGen C0009405, MeSH D003123.

Submissions (2):

Myriad Genetics, Inc.
Classification: Benign for Lynch syndrome 5. Last evaluated: 2024-12-30. Review status: criteria provided, single submitter. Criteria: Myriad Autosomal Dominant, Autosomal Recessive and X-Linked Classification Criteria (2023). Collection method: clinical testing. Allele origin: unknown.
Comment: This variant is considered benign. This variant is a silent/synonymous amino acid change and it is not expected to impact splicing.

Labcorp Genetics (formerly Invitae), Labcorp
Classification: Likely benign for Hereditary nonpolyposis colorectal neoplasms. Last evaluated: 2024-06-07. Review status: criteria provided, single submitter. Criteria: Invitae Variant Classification Sherloc (09022015). Collection method: clinical testing. Allele origin: germline.

NM_000179.3(MSH6):c.1995G>A (p.Glu665=)

Gene: MSH6 (mutS homolog 6; plus strand). Cytogenetic location: 2p16.3.
Variant type: single nucleotide variant.
Coding change: c.1995G>A on transcript NM_000179.3 (MANE Select); coding-DNA position 1995, G replaced by A.
Protein change: p.Glu665=; no amino-acid change (glutamic acid 665 retained).
Molecular consequence: synonymous variant.
Genome position (GRCh38, 1-based): chr2:47,799,978, G>A. VCF-style: chr2-47799978-G-A. GRCh37 (hg19) VCF-style: chr2-48027117-G-A.
Other names: c.1605G>A, p.Glu535= (NM_001281492.2); c.1089G>A, p.Glu363= (NM_001281493.2, NM_001281494.2).
Identifiers: ClinVar variation 766377 (VCV000766377.10), dbSNP rs587778532, ClinGen allele CA426121285.